The following is an entry in ClinVar:

NM_020433.5(JPH2):c.1747_1752dup (p.Gln584_Pro585insAspGln)

Gene: JPH2 (junctophilin 2; minus strand). Cytogenetic location: 20q13.12.
Variant type: Duplication.
Coding change: c.1747_1752dup on transcript NM_020433.5 (MANE Select); coding-DNA positions 1747 to 1752, 6 bases duplicated (GACCAG; older notation c.1747_1752dupGACCAG).
Protein change: p.Gln584_Pro585insAspGln.
Molecular consequence: inframe insertion.
Genome position (GRCh38, 1-based): chr20:44,115,923-44,115,928, CTGGTC duplicated on the plus strand (GACCAG on the coding strand, the reverse complement: JPH2 is on the minus strand); duplicating any 6 consecutive bases within chr20:44,115,923-44,115,930 gives the same sequence; the c. name uses the placement nearest the transcript's 3' end. VCF-style (leftmost placement, unchanged base first): chr20-44115922-G-GCTGGTC. GRCh37 (hg19) VCF-style: chr20-42744562-G-GCTGGTC.
Identifiers: ClinVar variation 2030548 (VCV002030548.4), dbSNP rs1803071834, ClinGen allele CA2365625230.

ClinVar aggregate classification (germline): Uncertain significance (1 of 4 stars; one submission).

Conditions:
Hypertrophic cardiomyopathy. Also called: HYPERTROPHIC MYOCARDIOPATHY. Identifiers: Orphanet 217569, MedGen C0007194, MeSH D002312, MONDO:0005045, HP:0001639.

Submission:

Labcorp Genetics (formerly Invitae), Labcorp
Classification: Uncertain significance for Hypertrophic cardiomyopathy. Last evaluated: 2022-11-11. Review status: criteria provided, single submitter. Criteria: Invitae Variant Classification Sherloc (09022015). Collection method: clinical testing. Allele origin: germline.
Comment: This variant is not present in population databases (gnomAD no frequency). In summary, the available evidence is currently insufficient to determine the role of this variant in disease. Therefore, it has been classified as a Variant of Uncertain Significance. Experimental studies and prediction algorithms are not available or were not evaluated, and the functional significance of this variant is currently unknown. This variant has not been reported in the literature in individuals affected with JPH2-related conditions. This variant, c.1747_1752dup, results in the insertion of 2 amino acid(s) of the JPH2 protein (p.Asp583_Gln584dup), but otherwise preserves the integrity of the reading frame.